The following is an entry in ClinVar:

NM_000245.4(MET):c.2731-16T>C

Gene: MET (MET proto-oncogene, receptor tyrosine kinase; plus strand). Cytogenetic location: 7q31.2.
Variant type: single nucleotide variant.
Coding change: c.2731-16T>C on transcript NM_000245.4 (MANE Select); 16 bases into the intron before coding-DNA position 2731, T replaced by C.
Molecular consequence: intron variant.
Genome position (GRCh38, 1-based): chr7:116,771,482, T>C. VCF-style: chr7-116771482-T-C. GRCh37 (hg19) VCF-style: chr7-116411536-T-C.
Other names: c.2785-16T>C (NM_001127500.3); c.1441-16T>C (NM_001324402.2).
Identifiers: ClinVar variation 3657373 (VCV003657373.3).

ClinVar aggregate classification (germline): Likely benign. Review status: criteria provided, multiple submitters, no conflicts (2 of 4 stars). 2 submissions from 2 submitters: Likely benign (2). Last evaluated 2024-11-12.

Conditions:
Papillary renal cell carcinoma type 1 (RCCP1). Also called: RENAL CELL CARCINOMA, PAPILLARY, 1, SOMATIC; Renal adenocarcinoma; Renal cell carcinoma 1; Renal cell carcinoma, somatic. Identifiers: Orphanet 47044, MedGen C1336839, OMIM 605074, HP:0011797.
Renal cell carcinoma. Identifiers: Orphanet 217071, MedGen C0007134, MeSH D002292, MONDO:0005086, HP:0005584.

Submissions (2):

Myriad Genetics, Inc.
Classification: Likely benign for Papillary renal cell carcinoma type 1. Last evaluated: 2024-11-12. Review status: criteria provided, single submitter. Criteria: Myriad Autosomal Dominant, Autosomal Recessive and X-Linked Classification Criteria (2023). Collection method: clinical testing. Allele origin: unknown.
Comment: This variant is considered likely benign. This variant is intronic and is not expected to impact mRNA splicing.

Labcorp Genetics (formerly Invitae), Labcorp
Classification: Likely benign for Renal cell carcinoma. Last evaluated: 2024-06-22. Review status: criteria provided, single submitter. Criteria: Invitae Variant Classification Sherloc (09022015). Collection method: clinical testing. Allele origin: germline.